The following is an entry in ClinVar:

ClinVar aggregate classification (germline): Conflicting classifications of pathogenicity. Review status: criteria provided, conflicting classifications (1 of 4 stars). 3 submissions from 3 submitters: Uncertain significance (2); Likely benign (1). Last evaluated 2023-02-01.

Conditions:
Seizures, benign familial infantile, 3 (BFIS3). Also called: CONVULSIONS, BENIGN FAMILIAL INFANTILE, 3; Familial neonatal seizures. Identifiers: Orphanet 140927, Orphanet 306, MedGen C1843140, MONDO:0011904, OMIM 607745.

Allele frequency attached by ClinVar (database versions not stated): TOPMed 0.00095; gnomAD exomes 0.00134.
gnomAD v4.1: 193 of 194,658 alleles (0.099%); highest among the groups gnomAD compares: Non-Finnish European, 0.18%; no homozygotes.

Submissions (3):

CeGaT Center for Human Genetics Tuebingen
Classification: Likely benign. Last evaluated: 2023-02-01. Review status: criteria provided, single submitter. Criteria: CeGaT Center For Human Genetics Tuebingen Variant Classification Criteria Version 2. Collection method: clinical testing. Allele origin: germline. Affected: yes. Observed: 7 variant alleles.
Comment: SCN2A: BS1

Illumina Laboratory Services, Illumina
Classification: Uncertain significance for Seizures, benign familial infantile, 3. Last evaluated: 2018-01-13. Review status: criteria provided, single submitter. Criteria: ICSL Variant Classification Criteria 13 December 2019. Collection method: clinical testing. Allele origin: germline.

Breakthrough Genomics
Classification: Uncertain significance. Review status: criteria provided, single submitter. Criteria: ACMG Guidelines, 2015. Collection method: not provided. Allele origin: germline. Inheritance: Autosomal dominant inheritance. Affected: yes.

NM_001040142.2(SCN2A):c.*437G>A

Gene: SCN2A (sodium voltage-gated channel alpha subunit 2; plus strand). Cytogenetic location: 2q24.3.
Variant type: single nucleotide variant.
Coding change: c.*437G>A on transcript NM_001040142.2 (MANE Select); 437 bases downstream of the stop codon, G replaced by A.
Molecular consequence: 3 prime UTR variant.
Genome position (GRCh38, 1-based): chr2:165,390,261, G>A. VCF-style: chr2-165390261-G-A. GRCh37 (hg19) VCF-style: chr2-166246771-G-A.
Other names: c.*437G>A (NM_001040143.2, NM_001371246.1, NM_001371247.1 and 1 more transcripts).
Identifiers: ClinVar variation 893988 (VCV000893988.34), dbSNP rs553239308, ClinGen allele CA11324328.
Genomic context (GRCh38, chr2:165,390,261, plus strand): 5'-CCTGCCATATTTTTACAAAACGTGTGCTGTGAATTTATCACTTTTCTTTTTAATTCACAG[G>A]TTGTTTACTATTATATGTGACTATTTTTGTAAATGGGTTTGTGTTTGGGGAGAGGGATTA-3'